The following is an entry in ClinVar:

NM_000268.4(NF2):c.736C>T (p.Pro246Ser)

Gene: NF2 (NF2, moesin-ezrin-radixin like (MERLIN) tumor suppressor; plus strand). Cytogenetic location: 22q12.2.
Variant type: single nucleotide variant.
Coding change: c.736C>T on transcript NM_000268.4 (MANE Select); coding-DNA position 736, C replaced by T.
Protein change: p.Pro246Ser; replaces proline 246 with serine.
Molecular consequence: missense variant. On other transcripts: non-coding transcript variant (1), intron variant (1).
Genome position (GRCh38, 1-based): chr22:29,661,265, C>T. VCF-style: chr22-29661265-C-T. GRCh37 (hg19) VCF-style: chr22-30057254-C-T.
Other names: c.736C>T, p.Pro246Ser (NM_016418.5, NM_181825.3, NM_181832.3); c.610C>T, p.Pro204Ser (NM_181828.3); c.613C>T, p.Pro205Ser (NM_181829.3); c.487C>T, p.Pro163Ser (NM_181830.3, NM_181831.3); c.447+18980C>T (NM_181833.3); short protein forms P246S, P163S, P204S, P205S.
Identifiers: ClinVar variation 577558 (VCV000577558.11), dbSNP rs1569297802, ClinGen allele CA411143859.

ClinVar aggregate classification (germline): Uncertain significance. Review status: criteria provided, multiple submitters, no conflicts (2 of 4 stars). 3 submissions from 3 submitters: Uncertain significance (3). Last evaluated 2025-12-24.

Conditions:
Hereditary cancer-predisposing syndrome. Also called: Tumor predisposition; Neoplastic Syndromes, Hereditary; Hereditary neoplastic syndrome; Hereditary Cancer Syndrome. Identifiers: Orphanet 140162, MedGen C0027672, MeSH D009386, MONDO:0015356.
Neurofibromatosis, type 2 (SWNV). Also called: NF2-Related Schwannomatosis; BILATERAL ACOUSTIC NEUROFIBROMATOSIS; SCHWANNOMATOSIS, VESTIBULAR. Identifiers: Orphanet 637, MedGen C0027832, MONDO:0007039, OMIM 101000. Disease mechanism: loss of function.

Allele frequency attached by ClinVar (database versions not stated): gnomAD exomes 0.00001.
gnomAD v4.1: 3 of 1,614,202 alleles (0.00019%); highest among the groups gnomAD compares: Non-Finnish European, 0.00025%; no homozygotes.

Submissions (3):

Labcorp Genetics (formerly Invitae), Labcorp
Classification: Uncertain significance for Neurofibromatosis, type 2. Last evaluated: 2025-12-24. Review status: criteria provided, single submitter. Criteria: Invitae Variant Classification Sherloc (09022015). Collection method: clinical testing. Allele origin: germline.
Comment: This sequence change replaces proline, which is neutral and non-polar, with serine, which is neutral and polar, at codon 246 of the NF2 protein (p.Pro246Ser). This variant is not present in population databases (gnomAD no frequency). This variant has not been reported in the literature in individuals affected with NF2-related conditions. ClinVar contains an entry for this variant (Variation ID: 577558). Invitae Evidence Modeling of protein sequence and biophysical properties (such as structural, functional, and spatial information, amino acid conservation, physicochemical variation, residue mobility, and thermodynamic stability) indicates that this missense variant is not expected to disrupt NF2 protein function with a negative predictive value of 80%. In summary, the available evidence is currently insufficient to determine the role of this variant in disease. Therefore, it has been classified as a Variant of Uncertain Significance.

Ambry Genetics
Classification: Uncertain significance for Hereditary cancer-predisposing syndrome. Last evaluated: 2024-08-23. Review status: criteria provided, single submitter. Criteria: Ambry Variant Classification Scheme 2023. Collection method: clinical testing. Allele origin: germline.
Comment: The p.P246S variant (also known as c.736C>T), located in coding exon 8 of the NF2 gene, results from a C to T substitution at nucleotide position 736. The proline at codon 246 is replaced by serine, an amino acid with similar properties. This amino acid position is conserved. In addition, the in silico prediction for this alteration is inconclusive. Based on the available evidence, the clinical significance of this variant remains unclear.

All of Us Research Program, National Institutes of Health
Classification: Uncertain significance for Neurofibromatosis, type 2. Last evaluated: 2023-04-10. Review status: criteria provided, single submitter. Criteria: ACMG Guidelines, 2015. Collection method: clinical testing. Allele origin: germline. Inheritance: Autosomal dominant inheritance. Observed: 1 variant allele, 1 heterozygote.
Comment: This missense variant replaces proline with serine at codon 246 of the NF2 protein. Computational prediction suggests that this variant may not impact protein structure and function (internally defined REVEL score threshold <= 0.5, PMID: 27666373). To our knowledge, functional studies have not been reported for this variant. This variant has not been reported in individuals affected with NF2-related disorders in the literature. This variant has not been identified in the general population by the Genome Aggregation Database (gnomAD). The available evidence is insufficient to determine the role of this variant in disease conclusively. Therefore, this variant is classified as a Variant of Uncertain Significance.

This study involves interpretation of variants in research participants for the purpose of population health screening. Participant phenotype was not available at the time of variant classification. Additional details can be found in publication PMID: 35346344, PMCID: PMC8962531